The following is an entry in ClinVar:

NM_198994.3(TGM6):c.245G>T (p.Gly82Val)

Gene: TGM6 (transglutaminase 6; plus strand). Cytogenetic location: 20p13.
Variant type: single nucleotide variant.
Coding change: c.245G>T on transcript NM_198994.3 (MANE Select); coding-DNA position 245, G replaced by T.
Protein change: p.Gly82Val; replaces glycine 82 with valine.
Molecular consequence: missense variant.
Genome position (GRCh38, 1-based): chr20:2,395,257, G>T. VCF-style: chr20-2395257-G-T. GRCh37 (hg19) VCF-style: chr20-2375903-G-T.
Other names: c.245G>T, p.Gly82Val (NM_001254734.2); short protein forms G82V.
Identifiers: ClinVar variation 995313 (VCV000995313.8), dbSNP rs144094215, ClinGen allele CA408008937.

ClinVar aggregate classification (germline): Uncertain significance. Review status: criteria provided, multiple submitters, no conflicts (2 of 4 stars). 2 submissions from 2 submitters: Uncertain significance (2). Last evaluated 2024-07-26.

Allele frequency attached by ClinVar (database versions not stated): TOPMed 0.00001.
gnomAD v4.1: 1 of 1,614,116 alleles (0.000062%); highest among the groups gnomAD compares: Non-Finnish European, 0.000085%; no homozygotes.

Submissions (2):

Athena Diagnostics
Classification: Uncertain significance. Last evaluated: 2024-07-26. Review status: criteria provided, single submitter. Criteria: Athena Diagnostics Criteria. Collection method: clinical testing. Allele origin: unknown.
Comment: Available data are insufficient to determine the clinical significance of the variant at this time. This variant has not been reported in large, multi-ethnic general populations. Polyphen and MutationTaster predict this amino acid change may be benign.

Labcorp Genetics (formerly Invitae), Labcorp
Classification: Uncertain significance. Last evaluated: 2021-02-27. Review status: criteria provided, single submitter. Criteria: Invitae Variant Classification Sherloc (09022015). Collection method: clinical testing. Allele origin: germline.
Comment: This sequence change replaces glycine with valine at codon 82 of the TGM6 protein (p.Gly82Val). The glycine residue is moderately conserved and there is a moderate physicochemical difference between glycine and valine. This variant is not present in population databases (ExAC no frequency). This variant has not been reported in the literature in individuals with TGM6-related conditions. Advanced modeling of protein sequence and biophysical properties (such as structural, functional, and spatial information, amino acid conservation, physicochemical variation, residue mobility, and thermodynamic stability) performed at Invitae indicates that this missense variant is not expected to disrupt TGM6 protein function. In summary, the available evidence is currently insufficient to determine the role of this variant in disease. Therefore, it has been classified as a Variant of Uncertain Significance.